The following is an entry in ClinVar:

NM_001375405.1(CEP120):c.2839C>T (p.Arg947Cys)

Gene: CEP120 (centrosomal protein 120; minus strand). Cytogenetic location: 5q23.2.
Variant type: single nucleotide variant.
Coding change: c.2839C>T on transcript NM_001375405.1 (MANE Select); coding-DNA position 2839, C replaced by T.
Protein change: p.Arg947Cys; replaces arginine 947 with cysteine.
Molecular consequence: missense variant. On other transcripts: 3 prime UTR variant (1), non-coding transcript variant (1).
Genome position (GRCh38, 1-based): chr5:123,346,641, G>A on the plus strand (C>T on the coding strand, the complement: CEP120 is on the minus strand). VCF-style: chr5-123346641-G-A. GRCh37 (hg19) VCF-style: chr5-122682335-G-A.
Other names: c.2761C>T, p.Arg921Cys (NM_001166226.2); c.2704C>T, p.Arg902Cys (NM_001375406.1); c.*108C>T (NM_001375407.1); c.2266C>T, p.Arg756Cys (NM_001375408.1, NM_001375409.1); c.2839C>T, p.Arg947Cys (NM_153223.4); short protein forms R756C, R947C, R921C, R902C.
Identifiers: ClinVar variation 2716118 (VCV002716118.1), dbSNP rs2126957635, ClinGen allele CA360893924.
Genomic context (GRCh38, chr5:123,346,641, plus strand): 5'-TTCGATCCTCGTGATTATACACACCCGTTCTCATCAAAGTATCCCTTTCTTCTATCAGGC[G>A]AGTCAAATAATCATCCAAACCTTCTTCCAATACACTGCCATGGGGGCCATCCTTTTTTCC-3'
Protein context (NP_001362334.1, residues 937-957): LEEGLDDYLT[Arg947Cys]LIEERDTLMR

ClinVar aggregate classification (germline): Uncertain significance (1 of 4 stars; one submission).

Conditions:
Short-rib thoracic dysplasia 13 with or without polydactyly (SRTD13). Identifiers: Orphanet 474, MedGen C4225378, MONDO:0014577, OMIM 616300.

gnomAD v4.1: 11 of 1,613,892 alleles (0.00068%); highest among the groups gnomAD compares: East Asian, 0.0022%; no homozygotes.

Submission:

Labcorp Genetics (formerly Invitae), Labcorp
Classification: Uncertain significance for Short-rib thoracic dysplasia 13 with or without polydactyly. Last evaluated: 2023-09-21. Review status: criteria provided, single submitter. Criteria: Invitae Variant Classification Sherloc (09022015). Collection method: clinical testing. Allele origin: germline.
Comment: This sequence change replaces arginine, which is basic and polar, with cysteine, which is neutral and slightly polar, at codon 947 of the CEP120 protein (p.Arg947Cys). This variant is not present in population databases (gnomAD no frequency). This variant has not been reported in the literature in individuals affected with CEP120-related conditions. Advanced modeling of protein sequence and biophysical properties (such as structural, functional, and spatial information, amino acid conservation, physicochemical variation, residue mobility, and thermodynamic stability) performed at Invitae indicates that this missense variant is expected to disrupt CEP120 protein function. In summary, the available evidence is currently insufficient to determine the role of this variant in disease. Therefore, it has been classified as a Variant of Uncertain Significance.